The following is an entry in ClinVar:

NM_013280.5(FLRT1):c.457C>T (p.Leu153=)

Genes: MACROD1 (mono-ADP ribosylhydrolase 1; minus strand), FLRT1 (fibronectin leucine rich transmembrane protein 1; plus strand). Cytogenetic location: 11q13.1.
Variant type: single nucleotide variant.
Coding change: c.457C>T on transcript NM_013280.5 (MANE Select); coding-DNA position 457, C replaced by T.
Protein change: p.Leu153=; no amino-acid change (leucine 153 retained).
Molecular consequence: synonymous variant. On other transcripts: intron variant (2).
Genome position (GRCh38, 1-based): chr11:64,116,724, C>T. VCF-style: chr11-64116724-C-T. GRCh37 (hg19) VCF-style: chr11-63884196-C-T.
Other names: c.457C>T, p.Leu153= (NM_001384466.1); c.373C>T, p.Leu125= (NM_001423967.1); c.517+34515G>A (NM_001411019.1, NM_014067.4).
Identifiers: ClinVar variation 461803 (VCV000461803.15), dbSNP rs61731568, ClinGen allele CA6067484.
Genomic context (GRCh38, chr11:64,116,724, plus strand): 5'-CACCTGCAGGACAACAATGTGCGCACCATTGCCAGGGACTCGCTGGCCCGCATCCCGCTG[C>T]TGGAGAAGCTGCACCTGGATGACAACTCCGTGTCCACCGTCAGCATTGAGGAGGACGCCT-3'
Protein context (NP_037412.2, residues 143-163): ARDSLARIPL[Leu153=]EKLHLDDNSV

ClinVar aggregate classification (germline): Benign. Review status: criteria provided, multiple submitters, no conflicts (2 of 4 stars). 3 submissions from 3 submitters: Benign (3). Last evaluated 2025-01-06.

Conditions:
FLRT1-related disorder. Also called: FLRT1-related condition.
Peripheral neuropathy. Also called: Neuropathy. Identifiers: MedGen C0031117, MONDO:0005244, HP:0009830.

Allele frequency attached by ClinVar (database versions not stated): gnomAD exomes 0.00125 and 0.00332; ExAC 0.00404; gnomAD 0.01338 and 0.01444; TOPMed 0.01439; 1000 Genomes Project 0.01478; ESP Exome Variant Server 0.01524; 1000 Genomes Project 30x 0.01640.
gnomAD v4.1: 3,938 of 1,613,754 alleles (0.24%); highest among the groups gnomAD compares: African/African-American, 4.7%; 69 homozygotes.

Submissions (3):

Labcorp Genetics (formerly Invitae), Labcorp
Classification: Benign for Peripheral neuropathy. Last evaluated: 2025-01-06. Review status: criteria provided, single submitter. Criteria: Invitae Variant Classification Sherloc (09022015). Collection method: clinical testing. Allele origin: germline.

PreventionGenetics, part of Exact Sciences
Classification: Benign for FLRT1-related condition. Last evaluated: 2024-11-09. Review status: criteria provided, single submitter. Criteria: ACMG Guidelines, 2015. Collection method: clinical testing. Allele origin: germline.
Comment: This variant is classified as benign based on ACMG/AMP sequence variant interpretation guidelines (Richards et al. 2015 PMID: 25741868, with internal and published modifications).

Breakthrough Genomics
Classification: Benign. Review status: criteria provided, single submitter. Criteria: ACMG Guidelines, 2015. Collection method: not provided. Allele origin: germline. Inheritance: Unknown mechanism. Affected: yes.